The following is an entry in ClinVar:

ClinVar aggregate classification (germline): Uncertain significance. Review status: criteria provided, multiple submitters, no conflicts (2 of 4 stars). 3 submissions from 3 submitters: Uncertain significance (3). Last evaluated 2024-02-22.

Conditions:
Neutral 1 amino acid transport defect (HND). Also called: Hartnup disease; HARTNUP DISORDER. Identifiers: Orphanet 2116, MedGen C0018609, MONDO:0009324, OMIM 234500.
Inborn genetic diseases. Identifiers: MedGen C0950123, MeSH D030342.

Allele frequency attached by ClinVar (database versions not stated): TOPMed 0.00013; gnomAD 0.00014 and 0.00015; ESP Exome Variant Server 0.00015; gnomAD exomes 0.00015 and 0.00020; ExAC 0.00020.
gnomAD v4.1: 311 of 1,608,660 alleles (0.019%); highest among the groups gnomAD compares: Non-Finnish European, 0.023%; no homozygotes.

Submissions (3):

Fulgent Genetics
Classification: Uncertain significance for Neutral 1 amino acid transport defect. Last evaluated: 2024-02-22. Review status: criteria provided, single submitter. Criteria: ACMG Guidelines, 2015. Collection method: clinical testing. Allele origin: germline.

Ambry Genetics
Classification: Uncertain significance for Inborn genetic diseases. Last evaluated: 2023-09-25. Review status: criteria provided, single submitter. Criteria: Ambry Variant Classification Scheme 2023. Collection method: clinical testing. Allele origin: germline.

Labcorp Genetics (formerly Invitae), Labcorp
Classification: Uncertain significance. Last evaluated: 2023-04-24. Review status: criteria provided, single submitter. Criteria: Invitae Variant Classification Sherloc (09022015). Collection method: clinical testing. Allele origin: germline.
Comment: ClinVar contains an entry for this variant (Variation ID: 1525667). In summary, the available evidence is currently insufficient to determine the role of this variant in disease. Therefore, it has been classified as a Variant of Uncertain Significance. An algorithm developed to predict the effect of missense changes on protein structure and function (PolyPhen-2) suggests that this variant is likely to be disruptive. This variant has not been reported in the literature in individuals affected with SLC6A19-related conditions. This variant is present in population databases (rs138944821, gnomAD 0.02%). This sequence change replaces glycine, which is neutral and non-polar, with serine, which is neutral and polar, at codon 10 of the SLC6A19 protein (p.Gly10Ser).

NM_001003841.3(SLC6A19):c.28G>A (p.Gly10Ser)

Gene: SLC6A19 (solute carrier family 6 member 19; plus strand). Cytogenetic location: 5p15.33.
Variant type: single nucleotide variant.
Coding change: c.28G>A on transcript NM_001003841.3 (MANE Select); coding-DNA position 28, G replaced by A.
Protein change: p.Gly10Ser; replaces glycine 10 with serine.
Molecular consequence: missense variant.
Genome position (GRCh38, 1-based): chr5:1,201,678, G>A. VCF-style: chr5-1201678-G-A. GRCh37 (hg19) VCF-style: chr5-1201793-G-A.
Other names: c.28G>A (NM_001003841.2); short protein forms G10S.
Identifiers: ClinVar variation 1525667 (VCV001525667.6), dbSNP rs138944821, ClinGen allele CA3182535.